The following is an entry in ClinVar:

NM_001943.5(DSG2):c.1220G>A (p.Gly407Asp)

Gene: DSG2 (desmoglein 2; plus strand). Cytogenetic location: 18q12.1.
Variant type: single nucleotide variant.
Coding change: c.1220G>A on transcript NM_001943.5 (MANE Select); coding-DNA position 1220, G replaced by A.
Protein change: p.Gly407Asp; replaces glycine 407 with aspartic acid.
Molecular consequence: missense variant.
Genome position (GRCh38, 1-based): chr18:31,531,192, G>A. VCF-style: chr18-31531192-G-A. GRCh37 (hg19) VCF-style: chr18-29111155-G-A.
Other names: short protein forms G407D.
Identifiers: ClinVar variation 924317 (VCV000924317.6), dbSNP rs2073196524, ClinGen allele CA402139296.

ClinVar aggregate classification (germline): Uncertain significance. Review status: criteria provided, multiple submitters, no conflicts (2 of 4 stars). 2 submissions from 2 submitters: Uncertain significance (2). Last evaluated 2024-03-07.

Conditions:
Cardiomyopathy (CMYO). Also called: Cardiomyopathies. Identifiers: Orphanet 167848, MedGen C0878544, MONDO:0004994, HP:0001638. Inheritance: Various modes of inheritance.
Arrhythmogenic right ventricular cardiomyopathy (ARVD). Also called: Arrhythmogenic cardiomyopathy; Cardiomyopathy, ARVC; Arrhythmogenic right ventricular dysplasia; Arrhythmogenic Right Ventricular Cardiomyopathy (ARVC). Identifiers: Orphanet 247, MedGen C0349788, MeSH D019571, MONDO:0016587. Disease mechanism: loss of function. Inheritance: Various modes of inheritance.

gnomAD v4.1: 3 of 1,614,146 alleles (0.00019%); highest among the groups gnomAD compares: East Asian, 0.0022%; no homozygotes.

Submissions (2):

Color Diagnostics, LLC DBA Color Health
Classification: Uncertain significance for Cardiomyopathy. Last evaluated: 2024-03-07. Review status: criteria provided, single submitter. Criteria: ACMG Guidelines, 2015. Collection method: clinical testing. Allele origin: germline.
Comment: This missense variant replaces glycine with aspartic acid at codon 407 of the DSG2 protein. Computational prediction suggests that this variant may not impact protein structure and function (internally defined REVEL score threshold <= 0.5, PMID: 27666373). To our knowledge, functional studies have not been reported for this variant. This variant has not been reported in individuals affected with DSG2-related disorders in the literature. This variant has not been identified in the general population by the Genome Aggregation Database (gnomAD). The available evidence is insufficient to determine the role of this variant in disease conclusively. Therefore, this variant is classified as a Variant of Uncertain Significance.

All of Us Research Program, National Institutes of Health
Classification: Uncertain significance for Arrhythmogenic right ventricular cardiomyopathy. Last evaluated: 2024-02-05. Review status: criteria provided, single submitter. Criteria: ACMG Guidelines, 2015. Collection method: clinical testing. Allele origin: germline. Inheritance: Autosomal dominant inheritance. Observed: 4 variant alleles, 4 heterozygotes.
Comment: Variant of Uncertain Significance due to insufficient evidence: This missense variant replaces glycine with aspartic acid at codon 407 of the DSG2 protein. Computational prediction tools and conservation analyses are inconclusive regarding the impact of this variant on the protein function. Computational splicing tools suggest that this variant may not impact RNA splicing. To our knowledge, functional assays have not been performed for this variant nor has this variant been reported in individuals affected with cardiovascular disorders in the literature. This variant is rare in the general population and has been identified in 0/277264 chromosomes by the Genome Aggregation Database (gnomAD). Available evidence is insufficient to determine the role of this variant in disease conclusively.

This study involves interpretation of variants in research participants for the purpose of population health screening. Participant phenotype was not available at the time of variant classification. Additional details can be found in publication PMID: 35346344, PMCID: PMC8962531